The following is an entry in ClinVar:

NM_000330.4(RS1):c.78G>C (p.Glu26Asp)

Gene: RS1 (retinoschisin 1; minus strand). Cytogenetic location: Xp22.13.
Variant type: single nucleotide variant.
Coding change: c.78G>C on transcript NM_000330.4 (MANE Select); coding-DNA position 78, G replaced by C.
Protein change: p.Glu26Asp; replaces glutamic acid 26 with aspartic acid.
Molecular consequence: missense variant.
Genome position (GRCh38, 1-based): chrX:18,657,640, C>G on the plus strand (G>C on the coding strand, the complement: RS1 is on the minus strand). VCF-style: chrX-18657640-C-G. GRCh37 (hg19) VCF-style: chrX-18675760-C-G.
Other names: short protein forms E26D.
Identifiers: ClinVar variation 4526912 (VCV004526912.3).

ClinVar aggregate classification (germline): Likely pathogenic. Review status: criteria provided, multiple submitters, no conflicts (2 of 4 stars). 3 submissions from 3 submitters: Likely pathogenic (3). Last evaluated 2026-09-25.

Conditions:
Retinal disorder. Also called: Retinopathy; Retinopathies; Retinal Diseases; Retinal disorders. Identifiers: MedGen C0035309, MONDO:0005283, HP:0000488.
RS1-related disorder. Also called: RS1-related condition.
Juvenile retinoschisis (RS1). Also called: X-linked retinoschisis; X-Linked Juvenile Retinoschisis. Identifiers: Orphanet 792, MedGen C3714753, MONDO:0010725, OMIM 312700.

Submissions (3):

Genetics Laboratory, Great Ormond Street Hospital NHS Foundation Trust, North Thames Genomic Laboratory Hub
Classification: Likely pathogenic for Retinal disorders. Last evaluated: 2026-09-25. Review status: criteria provided, single submitter. Criteria: ACGS Best Practice Guidelines for Variant Classification in Rare Disease 2024 v1.2. Collection method: clinical testing. Allele origin: germline. Affected: yes.
Comment: PS4_moderate, PM2_moderate, PP3_supporting, PS1_supporting

North West Genomic Laboratory Hub, Manchester University NHS Foundation Trust
Classification: Likely pathogenic for Juvenile retinoschisis. Last evaluated: 2024-04-12. Review status: criteria provided, single submitter. Criteria: ACGS Best Practice Guidelines for Variant Classification in Rare Disease 2020. Collection method: clinical testing. Allele origin: germline. Affected: yes.
Comment: PM2_Mod PP3_Supp PS4_Mod PP1_Supp

Blueprint Genetics
Classification: Likely pathogenic for RS1-related disorders. Last evaluated: 2019-02-13. Review status: criteria provided, single submitter. Criteria: ACMG Guidelines, 2015. Collection method: clinical testing. Allele origin: germline. Affected: yes. Observed: 1 variant allele.